The following is an entry in ClinVar:

ClinVar aggregate classification (germline): Uncertain significance (1 of 4 stars; one submission).

Submission:

Labcorp Genetics (formerly Invitae), Labcorp
Classification: Uncertain significance. Last evaluated: 2022-04-18. Review status: criteria provided, single submitter. Criteria: Invitae Variant Classification Sherloc (09022015). Collection method: clinical testing. Allele origin: germline.
Comment: This variant, c.1068_1073del, results in the deletion of 2 amino acid(s) of the MPDZ protein (p.Ser357_Thr358del), but otherwise preserves the integrity of the reading frame. This variant is not present in population databases (gnomAD no frequency). This variant has not been reported in the literature in individuals affected with MPDZ-related conditions. Experimental studies and prediction algorithms are not available or were not evaluated, and the functional significance of this variant is currently unknown. In summary, the available evidence is currently insufficient to determine the role of this variant in disease. Therefore, it has been classified as a Variant of Uncertain Significance.

NM_001378778.1(MPDZ):c.1068_1073del (p.Ser357_Thr358del)

Gene: MPDZ (multiple PDZ domain crumbs cell polarity complex component; minus strand). Cytogenetic location: 9p23.
Variant type: Deletion.
Coding change: c.1068_1073del on transcript NM_001378778.1 (MANE Select); coding-DNA positions 1068 to 1073, 6 bases deleted (TTCAAC; older notation c.1068_1073delTTCAAC).
Protein change: p.Ser357_Thr358del.
Molecular consequence: inframe deletion.
Genome position (GRCh38, 1-based): chr9:13,219,572-13,219,577, GTTGAA deleted on the plus strand (TTCAAC on the coding strand, the reverse complement: MPDZ is on the minus strand); deleting any 6 consecutive bases within chr9:13,219,572-13,219,581 gives the same sequence; the c. name uses the placement nearest the transcript's 3' end. VCF-style (leftmost placement, unchanged base first): chr9-13219571-TGTTGAA-T. GRCh37 (hg19) VCF-style: chr9-13219570-TGTTGAA-T.
Other names: c.1068_1073del, p.Ser357_Thr358del (NM_001261406.2, NM_001261407.2, NM_001330637.2 and 14 more transcripts).
Identifiers: ClinVar variation 2117530 (VCV002117530.4), dbSNP rs2497232470, ClinGen allele CA2580079255.